The following is an entry in ClinVar:

NM_198525.3(KIF7):c.3173A>G (p.Tyr1058Cys)

Gene: KIF7 (kinesin family member 7; minus strand). Cytogenetic location: 15q26.1.
Variant type: single nucleotide variant.
Coding change: c.3173A>G on transcript NM_198525.3 (MANE Select); coding-DNA position 3173, A replaced by G.
Protein change: p.Tyr1058Cys; replaces tyrosine 1058 with cysteine.
Molecular consequence: missense variant.
Genome position (GRCh38, 1-based): chr15:89,630,432, T>C on the plus strand (A>G on the coding strand, the complement: KIF7 is on the minus strand). VCF-style: chr15-89630432-T-C. GRCh37 (hg19) VCF-style: chr15-90173663-T-C.
Other names: c.3173A>G (NM_198525.2); short protein forms Y1058C.
Identifiers: ClinVar variation 1955486 (VCV001955486.6), dbSNP rs779655277, ClinGen allele CA7727808.

ClinVar aggregate classification (germline): Uncertain significance. Review status: criteria provided, multiple submitters, no conflicts (2 of 4 stars). 2 submissions from 2 submitters: Uncertain significance (2). Last evaluated 2025-10-22.

Conditions:
Inborn genetic diseases. Identifiers: MedGen C0950123, MeSH D030342.
Acrocallosal syndrome (ACLS). Also called: Schinzel syndrome 1; Absence of corpus callosum with unusual facial appearance, mental deficiency, duplication of the halluces and polydactyly; HALLUX DUPLICATION, POSTAXIAL POLYDACTYLY, AND ABSENCE OF CORPUS CALLOSUM. Identifiers: Orphanet 36, MedGen C0796147, MONDO:0008708, OMIM 200990.

Allele frequency attached by ClinVar (database versions not stated): gnomAD 0.00001; TOPMed 0.00001; ExAC 0.00002.
gnomAD v4.1: 15 of 1,598,182 alleles (0.00094%); highest among the groups gnomAD compares: East Asian, 0.0045%; no homozygotes.

Submissions (2):

Ambry Genetics
Classification: Uncertain significance for Inborn genetic diseases. Last evaluated: 2025-10-22. Review status: criteria provided, single submitter. Criteria: Ambry Variant Classification Scheme 2023. Collection method: clinical testing. Allele origin: germline.

Labcorp Genetics (formerly Invitae), Labcorp
Classification: Uncertain significance for Acrocallosal syndrome. Last evaluated: 2022-03-28. Review status: criteria provided, single submitter. Criteria: Invitae Variant Classification Sherloc (09022015). Collection method: clinical testing. Allele origin: germline.
Comment: This sequence change replaces tyrosine, which is neutral and polar, with cysteine, which is neutral and slightly polar, at codon 1058 of the KIF7 protein (p.Tyr1058Cys). This variant is present in population databases (rs779655277, gnomAD 0.005%). This variant has not been reported in the literature in individuals affected with KIF7-related conditions. Algorithms developed to predict the effect of missense changes on protein structure and function (SIFT, PolyPhen-2, Align-GVGD) all suggest that this variant is likely to be disruptive. Algorithms developed to predict the effect of sequence changes on RNA splicing suggest that this variant may create or strengthen a splice site. In summary, the available evidence is currently insufficient to determine the role of this variant in disease. Therefore, it has been classified as a Variant of Uncertain Significance.